The following is an entry in ClinVar:

NM_007294.4(BRCA1):c.4051T>C (p.Leu1351=)

Genes: BRCA1 (BRCA1 DNA repair associated; minus strand), LOC126862571 (BRD4-independent group 4 enhancer GRCh37_chr17:41243136-41244335; plus strand). Cytogenetic location: 17q21.31.
Variant type: single nucleotide variant.
Coding change: c.4051T>C on transcript NM_007294.4 (MANE Select); coding-DNA position 4051, T replaced by C.
Protein change: p.Leu1351=; no amino-acid change (leucine 1351 retained).
Molecular consequence: synonymous variant. On other transcripts: intron variant (135).
Genome position (GRCh38, 1-based): chr17:43,091,480, A>G on the plus strand (T>C on the coding strand, the complement: BRCA1 is on the minus strand). VCF-style: chr17-43091480-A-G. GRCh37 (hg19) VCF-style: chr17-41243497-A-G.
Other names: c.3907T>C, p.Leu1303= (NM_001407740.1, NM_001407741.1, NM_001407742.1 and 20 more transcripts); c.3910T>C, p.Leu1304= (NM_001407750.1, NM_001407751.1, NM_001407752.1 and 29 more transcripts); c.3838T>C, p.Leu1280= (NM_001407853.1, NM_001407894.1, NM_001407895.1 and 9 more transcripts); c.4051T>C, p.Leu1351= (NM_001407854.1, NM_001407858.1, NM_001407859.1 and 30 more transcripts); c.4048T>C, p.Leu1350= (NM_001407860.1, NM_001407861.1, NM_001407587.1 and 22 more transcripts); c.3850T>C, p.Leu1284= (NM_001407862.1); c.3928T>C, p.Leu1310= (NM_001407863.1, NM_001407919.1, NM_001407937.1 and 19 more transcripts); c.3847T>C, p.Leu1283= (NM_001407874.1, NM_001407875.1); and 41 more.
Identifiers: ClinVar variation 427347 (VCV000427347.13), dbSNP rs139858874, ClinGen allele CA059000.
Genomic context (GRCh38, chr17:43,091,480, plus strand): 5'-ACCTGGTTCCAATACCTAAGTTTGAATCCATGCTTTGCTCTTCTTGATTATTTTCTTCCA[A>G]GCCCGTTCCTCTTTCTTCATCATCTGAAACCAATTCCTTGTCACTCAGACCAACTCCCTG-3'
Protein context (NP_009225.1, residues 1341-1361): VSDDEERGTG[Leu1351=]EENNQEEQSM

ClinVar aggregate classification (germline): Likely benign. Review status: reviewed by expert panel (3 of 4 stars). 4 submissions from 4 submitters: Likely benign (1). 3 of the submissions do not count toward it. Last evaluated 2017-06-29.

Conditions:
Hereditary cancer-predisposing syndrome. Also called: Neoplastic Syndromes, Hereditary; Hereditary neoplastic syndrome; Tumor predisposition; Hereditary Cancer Syndrome. Identifiers: Orphanet 140162, MedGen C0027672, MeSH D009386, MONDO:0015356.
Hereditary breast ovarian cancer syndrome. Also called: Hereditary breast and ovarian cancer syndrome (HBOC); BRCA1- and BRCA2-Associated Hereditary Breast and Ovarian Cancer; Hereditary breast and/or ovarian cancer syndrome; Hereditary breast and ovarian cancer syndrome; Hereditary breast and ovarian cancer; Breast and ovarian cancer. Identifiers: Orphanet 145, MedGen C0677776, MeSH D061325, MONDO:0003582. Disease mechanism: loss of function.
Breast-ovarian cancer, familial, susceptibility to, 1 (BROVCA1). Also called: BRCA1 Hereditary Breast and Ovarian Cancer; OVARIAN CANCER, SUSCEPTIBILITY TO. Identifiers: Orphanet 145, MedGen C2676676, MONDO:0011450, OMIM 604370. Disease mechanism: loss of function.

Allele frequency attached by ClinVar (database versions not stated): gnomAD exomes below 0.00001; TOPMed below 0.00001; ExAC 0.00001; gnomAD 0.00001; ESP Exome Variant Server 0.00008.
gnomAD v4.1: 1 of 1,613,428 alleles (0.000062%); highest among the groups gnomAD compares: African/African-American, 0.0013%; no homozygotes.

Submissions (4):

Evidence-based Network for the Interpretation of Germline Mutant Alleles (ENIGMA)
Classification: Likely benign for Breast-ovarian cancer, familial, susceptibility to, 1. Last evaluated: 2017-06-29. Review status: reviewed by expert panel. Criteria: ENIGMA BRCA1/2 Classification Criteria (2017-06-29). Collection method: curation. Allele origin: germline.
Comment: Synonymous substitution variant, with low bioinformatic likelihood to result in a splicing aberration (Splicing prior probability 0.02).

Labcorp Genetics (formerly Invitae), Labcorp
Classification: Likely benign for Hereditary breast ovarian cancer syndrome. Last evaluated: 2025-01-20. Review status: criteria provided, single submitter. Criteria: Invitae Variant Classification Sherloc (09022015). Collection method: clinical testing. Allele origin: germline. Not counted in ClinVar's aggregate classification.

Color Diagnostics, LLC DBA Color Health
Classification: Likely benign for Hereditary cancer-predisposing syndrome. Last evaluated: 2022-04-25. Review status: criteria provided, single submitter. Criteria: ACMG Guidelines, 2015. Collection method: clinical testing. Allele origin: germline. Not counted in ClinVar's aggregate classification.

Ambry Genetics
Classification: Likely benign for Hereditary cancer-predisposing syndrome. Last evaluated: 2020-01-15. Review status: criteria provided, single submitter. Criteria: Ambry Variant Classification Scheme 2023. Collection method: clinical testing. Allele origin: germline. Not counted in ClinVar's aggregate classification.